The following is an entry in ClinVar:

NM_002769.5(PRSS1):c.725C>T (p.Thr242Ile)

Genes: TRB (T cell receptor beta locus; plus strand), PRSS1 (serine protease 1; plus strand). Cytogenetic location: 7q34.
Variant type: single nucleotide variant.
Coding change: c.725C>T on transcript NM_002769.5 (MANE Select); coding-DNA position 725, C replaced by T.
Protein change: p.Thr242Ile; replaces threonine 242 with isoleucine.
Molecular consequence: missense variant. On other transcripts: non-coding transcript variant (5).
Genome position (GRCh38, 1-based): chr7:142,753,001, C>T. VCF-style: chr7-142753001-C-T. GRCh37 (hg19) VCF-style: chr7-142460852-C-T.
Other names: short protein forms T242I.
Identifiers: ClinVar variation 1757956 (VCV001757956.2), dbSNP rs2485770081, ClinGen allele CA369611083.
Genomic context (GRCh38, chr7:142,753,001, plus strand): 5'-AGAAGAACAAGCCTGGAGTCTACACCAAGGTCTACAACTATGTGAAATGGATTAAGAACA[C>T]CATAGCTGCCAATAGCTAAAGCCCCCAGTATCTCTTCAGTCTCTATACCAATAAAGTGAC-3'
Protein context (NP_002760.1, residues 232-247): VYNYVKWIKN[Thr242Ile]IAANS

ClinVar aggregate classification (germline): Uncertain significance (1 of 4 stars; one submission).

Conditions:
Hereditary pancreatitis (PCTT). Also called: Hereditary chronic pancreatitis; PRSS1-Related Hereditary Pancreatitis. Identifiers: Orphanet 676, MedGen C0238339, MONDO:0008185, OMIM 167800.

Submission:

Ambry Genetics
Classification: Uncertain significance for Hereditary pancreatitis. Last evaluated: 2021-11-16. Review status: criteria provided, single submitter. Criteria: Ambry Variant Classification Scheme 2023. Collection method: clinical testing. Allele origin: germline.
Comment: The p.T242I variant (also known as c.725C>T), located in coding exon 5 of the PRSS1 gene, results from a C to T substitution at nucleotide position 725. The threonine at codon 242 is replaced by isoleucine, an amino acid with similar properties. This amino acid position is conserved. In addition, the in silico prediction for this alteration is inconclusive. Since supporting evidence is limited at this time, the clinical significance of this alteration remains unclear.